The following is an entry in ClinVar:

ClinVar aggregate classification (germline): Uncertain significance (1 of 4 stars; one submission).

Submission:

Ambry Genetics
Classification: Uncertain significance. Last evaluated: 2026-03-11. Review status: criteria provided, single submitter. Criteria: Ambry Variant Classification Scheme 2023. Collection method: clinical testing. Allele origin: germline.
Comment: The p.Q604L variant (also known as c.1811A>T), located in coding exon 1 of the TET2 gene, results from an A to T substitution at nucleotide position 1811. The glutamine at codon 604 is replaced by leucine, an amino acid with dissimilar properties. This amino acid position is conserved. In addition, this alteration is predicted to be tolerated by in silico analysis. Based on the available evidence, the clinical significance of this variant remains unclear.

NM_001127208.3(TET2):c.1811A>T (p.Gln604Leu)

Genes: TET2 (tet methylcytosine dioxygenase 2; plus strand), TET2-AS1 (TET2 antisense RNA 1; minus strand). Cytogenetic location: 4q24.
Variant type: single nucleotide variant.
Coding change: c.1811A>T on transcript NM_001127208.3 (MANE Select); coding-DNA position 1811, A replaced by T.
Protein change: p.Gln604Leu; replaces glutamine 604 with leucine.
Molecular consequence: missense variant.
Genome position (GRCh38, 1-based): chr4:105,235,753, A>T. VCF-style: chr4-105235753-A-T. GRCh37 (hg19) VCF-style: chr4-106156910-A-T.
Other names: c.1811A>T, p.Gln604Leu (NM_017628.4); short protein forms Q604L.
Identifiers: ClinVar variation 4827265 (VCV004827265.1).
Genomic context (GRCh38, chr4:105,235,753, plus strand): 5'-CATCACTGCCATCAATTCTTCAGTATCAACCCAATCTCTCCAATCAAATGACCTCCAAAC[A>T]ATACACTGGAAATTCCAACATGCCTGGGGGGCTCCCAAGGCAAGCTTACACCCAGAAAAC-3'
Protein context (NP_001120680.1, residues 594-614): PNLSNQMTSK[Gln604Leu]YTGNSNMPGG